The following is an entry in ClinVar:

NM_001103.4(ACTN2):c.745G>A (p.Val249Ile)

Gene: ACTN2 (actinin alpha 2; plus strand). Cytogenetic location: 1q43.
Variant type: single nucleotide variant.
Coding change: c.745G>A on transcript NM_001103.4 (MANE Select); coding-DNA position 745, G replaced by A.
Protein change: p.Val249Ile; replaces valine 249 with isoleucine.
Molecular consequence: missense variant. On other transcripts: intron variant (1).
Genome position (GRCh38, 1-based): chr1:236,735,682, G>A. VCF-style: chr1-236735682-G-A. GRCh37 (hg19) VCF-style: chr1-236898982-G-A.
Other names: c.10G>A, p.Val4Ile (NM_001278344.2); c.783+1164G>A (NM_001278343.2); short protein forms V249I, V4I.
Identifiers: ClinVar variation 264452 (VCV000264452.47), dbSNP rs771260546, ClinGen allele CA1472921.
Genomic context (GRCh38, chr1:236,735,682, plus strand): 5'-TCTCCCCCTTCAGACATCGTGAACACCCCTAAACCCGATGAAAGAGCCATCATGACGTAC[G>A]TCTCTTGCTTCTACCACGCTTTTGCGGGCGCGGAGCAGGTACTCAACACTTGTCCGTCCG-3'
Protein context (NP_001094.1, residues 239-259): KPDERAIMTY[Val249Ile]SCFYHAFAGA

ClinVar aggregate classification (germline): Conflicting classifications of pathogenicity. Review status: criteria provided, conflicting classifications (1 of 4 stars). 6 submissions from 6 submitters: Uncertain significance (5); Likely benign (1). Last evaluated 2026-01-18.

Conditions:
Cardiovascular phenotype. Identifiers: MedGen CN230736.
Dilated cardiomyopathy 1AA (CMD1AA). Also called: CARDIOMYOPATHY, DILATED, 1AA, WITH OR WITHOUT LEFT VENTRICULAR NONCOMPACTION; CARDIOMYOPATHY, FAMILIAL HYPERTROPHIC, 23, WITH OR WITHOUT LEFT VENTRICULAR NONCOMPACTION; Cardiomyopathy, dilated, 1AA, with or without LVNC. Identifiers: Orphanet 154, MedGen C2677338, MONDO:0012808, OMIM 612158.
Primary familial hypertrophic cardiomyopathy (HCM). Identifiers: Orphanet 99739, MedGen C0949658, MeSH D024741, MONDO:0024573. Inheritance: Various modes of inheritance.
Cardiomyopathy (CMYO). Also called: Cardiomyopathies. Identifiers: Orphanet 167848, MedGen C0878544, MONDO:0004994, HP:0001638. Inheritance: Various modes of inheritance.

Allele frequency attached by ClinVar (database versions not stated): ExAC 0.00002; gnomAD 0.00002; gnomAD exomes 0.00002; TOPMed 0.00002.
gnomAD v4.1: 29 of 1,614,036 alleles (0.0018%); highest among the groups gnomAD compares: Non-Finnish European, 0.0022%; no homozygotes.

Submissions (6):

Labcorp Genetics (formerly Invitae), Labcorp
Classification: Likely benign for Primary familial hypertrophic cardiomyopathy; Dilated cardiomyopathy 1AA. Last evaluated: 2026-01-18. Review status: criteria provided, single submitter. Criteria: Invitae Variant Classification Sherloc (09022015). Collection method: clinical testing. Allele origin: germline.

Ambry Genetics
Classification: Uncertain significance for Cardiovascular phenotype. Last evaluated: 2024-08-29. Review status: criteria provided, single submitter. Criteria: Ambry Variant Classification Scheme 2023. Collection method: clinical testing. Allele origin: germline.
Comment: The p.V249I variant (also known as c.745G>A), located in coding exon 8 of the ACTN2 gene, results from a G to A substitution at nucleotide position 745. The valine at codon 249 is replaced by isoleucine, an amino acid with highly similar properties. This amino acid position is highly conserved in available vertebrate species. In addition, the in silico prediction for this alteration is inconclusive. Since supporting evidence is limited at this time, the clinical significance of this alteration remains unclear.

CeGaT Center for Human Genetics Tuebingen
Classification: Uncertain significance. Last evaluated: 2024-02-01. Review status: criteria provided, single submitter. Criteria: CeGaT Center For Human Genetics Tuebingen Variant Classification Criteria Version 2. Collection method: clinical testing. Allele origin: germline. Affected: yes. Observed: 1 variant allele.
Comment: ACTN2: PM2

GeneDx
Classification: Uncertain significance. Last evaluated: 2023-09-19. Review status: criteria provided, single submitter. Criteria: GeneDx Variant Classification Process June 2021. Collection method: clinical testing. Allele origin: germline. Affected: yes.
Comment: Not observed at significant frequency in large population cohorts (gnomAD); In silico analysis supports that this missense variant does not alter protein structure/function; Has not been previously published as pathogenic or benign to our knowledge

CHEO Genetics Diagnostic Laboratory, Children's Hospital of Eastern Ontario
Classification: Uncertain significance for Cardiomyopathy. Last evaluated: 2019-03-19. Review status: criteria provided, single submitter. Criteria: ACMG Guidelines, 2015. Collection method: clinical testing. Allele origin: germline.

Laboratory for Molecular Medicine, Mass General Brigham Personalized Medicine
Classification: Uncertain significance. Last evaluated: 2018-10-11. Review status: criteria provided, single submitter. Criteria: LMM Criteria. Collection method: clinical testing. Allele origin: germline. Observed: 1 variant allele.
Comment: The p.Val249Ile variant in ACTN2 has not been previously reported in individuals with cardiomyopathy, but has been identified in 0.0036% (4/111696) of European chromosomes by gnomAD. It has also been repor ted in ClinVar (Variant ID # 264452). Computational prediction tools and conserv ation analysis suggest that this variant may impact the protein, though this inf ormation is not predictive enough to determine pathogenicity. In summary, the cl inical significance of the p.Val249Ile variant is uncertain. ACMG/AMP Criteria a pplied: PM2, PP3.

Literature cited by the submitters: PubMed 37477868 (cited by Ambry Genetics).